The following is an entry in ClinVar:

NM_002451.4(MTAP):c.*804T>C

Gene: MTAP (methylthioadenosine phosphorylase; plus strand). Cytogenetic location: 9p21.3.
Variant type: single nucleotide variant.
Coding change: c.*804T>C on transcript NM_002451.4 (MANE Select); 804 bases downstream of the stop codon, T replaced by C.
Molecular consequence: 3 prime UTR variant.
Genome position (GRCh38, 1-based): chr9:21,862,818, T>C. VCF-style: chr9-21862818-T-C. GRCh37 (hg19) VCF-style: chr9-21862817-T-C.
Identifiers: ClinVar variation 366267 (VCV000366267.5), dbSNP rs142144597, ClinGen allele CA10629773.

ClinVar aggregate classification (germline): Benign (1 of 4 stars; one submission).

Conditions:
Diaphyseal medullary stenosis-bone malignancy syndrome. Also called: MYOPATHY, LIMB-GIRDLE, WITH BONE FRAGILITY; BONE DYSPLASIA WITH MALIGNANT FIBROUS HISTIOCYTOMA; BONE DYSPLASIA WITH MEDULLARY FIBROSARCOMA. Identifiers: Orphanet 85182, MedGen C1862177, MONDO:0007205, OMIM 112250.

Allele frequency attached by ClinVar (database versions not stated): gnomAD exomes 0.00015; gnomAD 0.00232 and 0.00253; TOPMed 0.00239; 1000 Genomes Project 0.00300; 1000 Genomes Project 30x 0.00312.
gnomAD v4.1: 404 of 407,478 alleles (0.099%); highest among the groups gnomAD compares: African/African-American, 0.68%; 2 homozygotes.

Submission:

Illumina Laboratory Services, Illumina
Classification: Benign for Diaphyseal medullary stenosis-bone malignancy syndrome. Last evaluated: 2018-01-13. Review status: criteria provided, single submitter. Criteria: ICSL Variant Classification Criteria 13 December 2019. Collection method: clinical testing. Allele origin: germline.
Comment: This variant was observed in the ICSL laboratory as part of a predisposition screen in an ostensibly healthy population. It had not been previously curated by ICSL or reported in the Human Gene Mutation Database (HGMD: prior to June 1st, 2018), and was therefore a candidate for classification through an automated scoring system. Utilizing variant allele frequency, disease prevalence and penetrance estimates, and inheritance mode, an automated score was calculated to assess if this variant is too frequent to cause the disease. Based on the score and internal cut-off values, a variant classified as benign is not then subjected to further curation. The score for this variant resulted in a classification of benign for this disease.